The following is an entry in ClinVar:

NM_213655.5(WNK1):c.2566C>T (p.His856Tyr)

Gene: WNK1 (WNK lysine deficient protein kinase 1; plus strand). Cytogenetic location: 12p13.33.
Variant type: single nucleotide variant.
Coding change: c.2566C>T on transcript NM_213655.5 (MANE Plus Clinical); coding-DNA position 2566, C replaced by T.
Protein change: p.His856Tyr; replaces histidine 856 with tyrosine.
Molecular consequence: missense variant. On other transcripts: intron variant (2).
Genome position (GRCh38, 1-based): chr12:868,037, C>T. VCF-style: chr12-868037-C-T. GRCh37 (hg19) VCF-style: chr12-977203-C-T.
Other names: c.2311C>T, p.His771Tyr (NM_001184985.2); c.2140-3228C>T (NM_018979.4, NM_014823.3); short protein forms H771Y, H856Y.
Identifiers: ClinVar variation 4791142 (VCV004791142.1).

ClinVar aggregate classification (germline): Uncertain significance (1 of 4 stars; one submission).

Conditions:
Neuropathy, hereditary sensory and autonomic, type 2A (HSAN2A). Also called: WNK1-Related HSAN2 (HSAN2A); ACROOSTEOLYSIS, GIACCAI TYPE; ACROOSTEOLYSIS, NEUROGENIC; MORVAN DISEASE; NEUROPATHY, CONGENITAL SENSORY; NEUROPATHY, HEREDITARY SENSORY RADICULAR, AUTOSOMAL RECESSIVE. Identifiers: Orphanet 970, MedGen C2752089, MONDO:0024309, OMIM 201300.
Pseudohypoaldosteronism type 2C (PHA2C). Also called: Pseudohypoaldosteronism Type IIC. Identifiers: Orphanet 757, Orphanet 88940, MedGen C1840391, MONDO:0013778, OMIM 614492.

Submission:

Labcorp Genetics (formerly Invitae), Labcorp
Classification: Uncertain significance for Neuropathy, hereditary sensory and autonomic, type 2A; Pseudohypoaldosteronism type 2C. Last evaluated: 2025-08-19. Review status: criteria provided, single submitter. Criteria: Invitae Variant Classification Sherloc (09022015). Collection method: clinical testing. Allele origin: germline.
Comment: This sequence change replaces histidine, which is basic and polar, with tyrosine, which is neutral and polar, at codon 856 of the WNK1 protein (p.His856Tyr). This variant is not present in population databases (gnomAD no frequency). This variant has not been reported in the literature in individuals affected with WNK1-related conditions. Invitae Evidence Modeling of protein sequence and biophysical properties (such as structural, functional, and spatial information, amino acid conservation, physicochemical variation, residue mobility, and thermodynamic stability) indicates that this missense variant is not expected to disrupt WNK1 protein function with a negative predictive value of 95%. In summary, the available evidence is currently insufficient to determine the role of this variant in disease. Therefore, it has been classified as a Variant of Uncertain Significance.